The following is an entry in ClinVar:

ClinVar aggregate classification (germline): Uncertain significance (1 of 4 stars; one submission).

Conditions:
Hypertrophic cardiomyopathy. Also called: HYPERTROPHIC MYOCARDIOPATHY. Identifiers: Orphanet 217569, MedGen C0007194, MeSH D002312, MONDO:0005045, HP:0001639.

Allele frequency attached by ClinVar (database versions not stated): ExAC 0.00001.
gnomAD v4.1: 9 of 1,613,608 alleles (0.00056%); highest among the groups gnomAD compares: Non-Finnish European, 0.00076%; no homozygotes.

Submission:

Labcorp Genetics (formerly Invitae), Labcorp
Classification: Uncertain significance for Hypertrophic cardiomyopathy. Last evaluated: 2023-11-01. Review status: criteria provided, single submitter. Criteria: Invitae Variant Classification Sherloc (09022015). Collection method: clinical testing. Allele origin: germline.
Comment: This sequence change replaces arginine, which is basic and polar, with proline, which is neutral and non-polar, at codon 380 of the MYOM1 protein (p.Arg380Pro). This variant is present in population databases (rs761231031, gnomAD 0.0009%). This variant has not been reported in the literature in individuals affected with MYOM1-related conditions. ClinVar contains an entry for this variant (Variation ID: 1381491). Advanced modeling of protein sequence and biophysical properties (such as structural, functional, and spatial information, amino acid conservation, physicochemical variation, residue mobility, and thermodynamic stability) performed at Invitae indicates that this missense variant is not expected to disrupt MYOM1 protein function with a negative predictive value of 80%. In summary, the available evidence is currently insufficient to determine the role of this variant in disease. Therefore, it has been classified as a Variant of Uncertain Significance.

NM_003803.4(MYOM1):c.1139G>C (p.Arg380Pro)

Gene: MYOM1 (myomesin 1; minus strand). Cytogenetic location: 18p11.31.
Variant type: single nucleotide variant.
Coding change: c.1139G>C on transcript NM_003803.4 (MANE Select); coding-DNA position 1139, G replaced by C.
Protein change: p.Arg380Pro; replaces arginine 380 with proline.
Molecular consequence: missense variant.
Genome position (GRCh38, 1-based): chr18:3,173,973, C>G on the plus strand (G>C on the coding strand, the complement: MYOM1 is on the minus strand). VCF-style: chr18-3173973-C-G. GRCh37 (hg19) VCF-style: chr18-3173971-C-G.
Other names: c.1139G>C, p.Arg380Pro (NM_019856.2); short protein forms R380P.
Identifiers: ClinVar variation 1381491 (VCV001381491.8), dbSNP rs761231031, ClinGen allele CA8875038.